The following is an entry in ClinVar:

NM_001370259.2(MEN1):c.1369A>C (p.Ile457Leu)

Gene: MEN1 (menin 1; minus strand). Cytogenetic location: 11q13.1.
Variant type: single nucleotide variant.
Coding change: c.1369A>C on transcript NM_001370259.2 (MANE Select); coding-DNA position 1369, A replaced by C.
Protein change: p.Ile457Leu; replaces isoleucine 457 with leucine.
Molecular consequence: missense variant.
Genome position (GRCh38, 1-based): chr11:64,804,798, T>G on the plus strand (A>C on the coding strand, the complement: MEN1 is on the minus strand). VCF-style: chr11-64804798-T-G. GRCh37 (hg19) VCF-style: chr11-64572270-T-G.
Other names: c.1390A>C, p.Ile464Leu (NM_001407151.1); c.1204A>C, p.Ile402Leu (NM_001407152.1); c.1369A>C, p.Ile457Leu (NM_130799.3, NM_001370260.2, NM_001370261.2 and 2 more transcripts); c.1384A>C, p.Ile462Leu (NM_130800.3, NM_130801.3, NM_130802.3 and 4 more transcripts); c.1495A>C, p.Ile499Leu (NM_001370251.2, NM_001407142.1, NM_001407143.1 and 1 more transcripts); c.1264A>C, p.Ile422Leu (NM_001370262.2, NM_001370263.2, NM_001407148.1 and 1 more transcripts); c.1510A>C, p.Ile504Leu (NM_001407150.1); short protein forms I402L, I422L, I462L, I464L, I457L, I499L, I504L.
Identifiers: ClinVar variation 1998180 (VCV001998180.5), dbSNP rs1021589871, ClinGen allele CA381179867.

ClinVar aggregate classification (germline): Uncertain significance. Review status: criteria provided, multiple submitters, no conflicts (2 of 4 stars). 2 submissions from 2 submitters: Uncertain significance (2). Last evaluated 2025-04-21.

Conditions:
Hereditary cancer-predisposing syndrome. Also called: Hereditary Cancer Syndrome; Tumor predisposition; Hereditary neoplastic syndrome; Neoplastic Syndromes, Hereditary. Identifiers: Orphanet 140162, MedGen C0027672, MeSH D009386, MONDO:0015356.
Multiple endocrine neoplasia, type 1 (MEN1). Also called: WERMER SYNDROME; Endocrine adenomatosis multiple; MEN 1; MEN I; MEA I. Identifiers: Orphanet 652, MedGen C0025267, MeSH D018761, MONDO:0007540, OMIM 131100.

Submissions (2):

Ambry Genetics
Classification: Uncertain significance for Hereditary cancer-predisposing syndrome. Last evaluated: 2025-04-21. Review status: criteria provided, single submitter. Criteria: Ambry Variant Classification Scheme 2023. Collection method: clinical testing. Allele origin: germline.
Comment: The p.I457L variant (also known as c.1369A>C), located in coding exon 9 of the MEN1 gene, results from an A to C substitution at nucleotide position 1369. The isoleucine at codon 457 is replaced by leucine, an amino acid with highly similar properties. This amino acid position is well conserved in available vertebrate species. In addition, the in silico prediction for this alteration is inconclusive. Based on the available evidence, the clinical significance of this variant remains unclear.

Labcorp Genetics (formerly Invitae), Labcorp
Classification: Uncertain significance for Multiple endocrine neoplasia, type 1. Last evaluated: 2022-05-24. Review status: criteria provided, single submitter. Criteria: Invitae Variant Classification Sherloc (09022015). Collection method: clinical testing. Allele origin: germline.
Comment: This sequence change replaces isoleucine, which is neutral and non-polar, with leucine, which is neutral and non-polar, at codon 457 of the MEN1 protein (p.Ile457Leu). This variant is not present in population databases (gnomAD no frequency). This variant has not been reported in the literature in individuals affected with MEN1-related conditions. Advanced modeling of protein sequence and biophysical properties (such as structural, functional, and spatial information, amino acid conservation, physicochemical variation, residue mobility, and thermodynamic stability) performed at Invitae indicates that this missense variant is not expected to disrupt MEN1 protein function. In summary, the available evidence is currently insufficient to determine the role of this variant in disease. Therefore, it has been classified as a Variant of Uncertain Significance.